The following is an entry in ClinVar:

ClinVar aggregate classification (germline): Benign (1 of 4 stars; one submission).

Allele frequency attached by ClinVar (database versions not stated): gnomAD 0.25413 and 0.26385; TOPMed 0.27864; 1000 Genomes Project 0.28674; 1000 Genomes Project 30x 0.30137.
gnomAD v4.1: 38,376 of 152,118 alleles (25%); highest among the groups gnomAD compares: African/African-American, 63%; 9,070 homozygotes.

Submission:

GeneDx
Classification: Benign. Last evaluated: 2018-06-19. Review status: criteria provided, single submitter. Criteria: GeneDx Variant Classification (06012015). Collection method: clinical testing. Allele origin: germline. Affected: yes.
Comment: This variant is considered likely benign or benign based on one or more of the following criteria: it is a conservative change, it occurs at a poorly conserved position in the protein, it is predicted to be benign by multiple in silico algorithms, and/or has population frequency not consistent with disease.

NM_001148.6(ANK2):c.3893+163G>A

Gene: ANK2 (ankyrin 2; plus strand). Cytogenetic location: 4q26.
Variant type: single nucleotide variant.
Coding change: c.3893+163G>A on transcript NM_001148.6 (MANE Select); 163 bases into the intron after coding-DNA position 3893, G replaced by A.
Molecular consequence: intron variant.
Genome position (GRCh38, 1-based): chr4:113,339,485, G>A. VCF-style: chr4-113339485-G-A. GRCh37 (hg19) VCF-style: chr4-114260641-G-A.
Other names: c.3878+163G>A (NM_001386186.2, NM_001386148.2); c.3680+163G>A (NM_001354269.3); c.3758+163G>A (NM_001386187.2); c.3752+163G>A (NM_001386147.1, NM_001354261.2); c.3737+163G>A (NM_001386160.1); c.3842+163G>A (NM_001354254.2); c.3863+163G>A (NM_001354239.2, NM_001354252.2); c.3764+163G>A (NM_001354272.2); and 31 more.
Identifiers: ClinVar variation 672185 (VCV000672185.1), dbSNP rs2272229, ClinGen allele CA11854004.
Genomic context (GRCh38, chr4:113,339,485, plus strand): 5'-CATTGGATTTTAAATATGGTCTGCCTTTGCTTTTATATTTTAAACTAGATCTGTCAGCAA[G>A]TGGAATAGTGATAATACAGTAACAAAGTATTACCAATCCGATTAAAATCTAAGGAAAAGG-3'